The following is an entry in ClinVar:

NM_002087.4(GRN):c.617T>C (p.Val206Ala)

Gene: GRN (granulin precursor; plus strand). Cytogenetic location: 17q21.31.
Variant type: single nucleotide variant.
Coding change: c.617T>C on transcript NM_002087.4 (MANE Select); coding-DNA position 617, T replaced by C.
Protein change: p.Val206Ala; replaces valine 206 with alanine.
Molecular consequence: missense variant.
Genome position (GRCh38, 1-based): chr17:44,350,709, T>C. VCF-style: chr17-44350709-T-C. GRCh37 (hg19) VCF-style: chr17-42428077-T-C.
Other names: short protein forms V206A.
Identifiers: ClinVar variation 4791558 (VCV004791558.1).

ClinVar aggregate classification (germline): Uncertain significance (1 of 4 stars; one submission).

Conditions:
Neuronal ceroid lipofuscinosis 11. Also called: GRN-Related Neuronal Ceroid-Lipofuscinosis. Identifiers: Orphanet 314629, Orphanet 79262, MedGen C3539123, MONDO:0013866, OMIM 614706.
GRN-related frontotemporal lobar degeneration with Tdp43 inclusions (FTD2). Also called: DEMENTIA, HEREDITARY DYSPHASIC DISINHIBITION; FRONTOTEMPORAL LOBAR DEGENERATION WITH UBIQUITIN-POSITIVE INCLUSIONS; FTLD-TDP, GRN-RELATED; GRN Frontotemporal Dementia; FRONTOTEMPORAL DEMENTIA WITH TDP43 INCLUSIONS, GRN-RELATED. Identifiers: Orphanet 100070, Orphanet 282, MedGen C1843792, MONDO:0011842, OMIM 607485. Disease mechanism: loss of function.

Submission:

Labcorp Genetics (formerly Invitae), Labcorp
Classification: Uncertain significance for Neuronal ceroid lipofuscinosis 11; GRN-related frontotemporal lobar degeneration with Tdp43 inclusions. Last evaluated: 2025-11-03. Review status: criteria provided, single submitter. Criteria: Invitae Variant Classification Sherloc (09022015). Collection method: clinical testing. Allele origin: germline.
Comment: This sequence change replaces valine, which is neutral and non-polar, with alanine, which is neutral and non-polar, at codon 206 of the GRN protein (p.Val206Ala). This variant is present in population databases (rs770499069, gnomAD 0.02%). This missense change has been observed in individual(s) with frontotemporal dementia (PMID: 34720994). Invitae Evidence Modeling of protein sequence and biophysical properties (such as structural, functional, and spatial information, amino acid conservation, physicochemical variation, residue mobility, and thermodynamic stability) indicates that this missense variant is not expected to disrupt GRN protein function with a negative predictive value of 80%. In summary, the available evidence is currently insufficient to determine the role of this variant in disease. Therefore, it has been classified as a Variant of Uncertain Significance.

Literature cited by the submitters: PubMed 34720994.